The following is an entry in ClinVar:

ClinVar aggregate classification (germline): Uncertain significance (1 of 4 stars; one submission).

Submission:

GeneDx
Classification: Uncertain significance. Last evaluated: 2017-04-06. Review status: criteria provided, single submitter. Criteria: GeneDx Variant Classification (06012015). Collection method: clinical testing. Allele origin: germline. Affected: yes.
Comment: The R25Q variant in the CTBP1 gene has not been reported previously as a pathogenic variant, nor as a benign variant, to our knowledge. The R25Q variant is not observed in large population cohorts (Lek et al., 2016; 1000 Genomes Consortium et al., 2015; Exome Variant Server). The R25Q variant is a semi-conservative amino acid substitution, which may impact secondary protein structure as these residues differ in some properties. This substitution occurs at a position that is conserved in mammals, and in silico analysis predicts this variant is probably damaging to the protein structure/function. We interpret R25Q as a variant of uncertain significance.

NM_001012614.2(CTBP1):c.74G>A (p.Arg25Gln)

Gene: CTBP1 (C-terminal binding protein 1; minus strand). Cytogenetic location: 4p16.3.
Variant type: single nucleotide variant.
Coding change: c.74G>A on transcript NM_001012614.2 (MANE Select); coding-DNA position 74, G replaced by A.
Protein change: p.Arg25Gln; replaces arginine 25 with glutamine.
Molecular consequence: missense variant.
Genome position (GRCh38, 1-based): chr4:1,238,271, C>T on the plus strand (G>A on the coding strand, the complement: CTBP1 is on the minus strand). VCF-style: chr4-1238271-C-T. GRCh37 (hg19) VCF-style: chr4-1232059-C-T.
Other names: c.107G>A, p.Arg36Gln (NM_001328.3); short protein forms R25Q, R36Q.
Identifiers: ClinVar variation 426724 (VCV000426724.2), dbSNP rs1085307761, ClinGen allele CA355960901.